The following is an entry in ClinVar:

NM_006005.3(WFS1):c.1506C>T (p.Ser502=)

Gene: WFS1 (wolframin ER transmembrane glycoprotein; plus strand). Cytogenetic location: 4p16.1.
Variant type: single nucleotide variant.
Coding change: c.1506C>T on transcript NM_006005.3 (MANE Select); coding-DNA position 1506, C replaced by T.
Protein change: p.Ser502=; no amino-acid change (serine 502 retained).
Molecular consequence: synonymous variant.
Genome position (GRCh38, 1-based): chr4:6,301,301, C>T. VCF-style: chr4-6301301-C-T. GRCh37 (hg19) VCF-style: chr4-6303028-C-T.
Other names: c.1506C>T, p.Ser502= (NM_001145853.1).
Identifiers: ClinVar variation 1644684 (VCV001644684.11), dbSNP rs773684789, ClinGen allele CA2839382.
Genomic context (GRCh38, chr4:6,301,301, plus strand): 5'-GGTCCTTGGCCAGACCTTCATCACCGTGCCTGTCGGCCACCTGGTCGTCCTCAACGTCAG[C>T]GTCCCGTGCCTGCTCTATGTCTACCTGCTCTATCTCTTCTTCCGCATGGCACAGCTGAGG-3'
Protein context (NP_005996.2, residues 492-512): PVGHLVVLNV[Ser502=]VPCLLYVYLL

ClinVar aggregate classification (germline): Conflicting classifications of pathogenicity. Review status: criteria provided, conflicting classifications (1 of 4 stars). 3 submissions from 3 submitters: Uncertain significance (1); Likely benign (1). 1 of the submissions does not count toward it. Last evaluated 2025-09-08.

Conditions:
WFS1-related disorder. Identifiers: MedGen CN379391, MONDO:0700293.
Autosomal dominant nonsyndromic hearing loss 6 (LFSNHL). Also called: DEAFNESS, AUTOSOMAL DOMINANT 14; DEAFNESS, AUTOSOMAL DOMINANT 38; DEAFNESS, AUTOSOMAL DOMINANT 6; Autosomal dominant nonsyndromic deafness 6. Identifiers: Orphanet 90635, MedGen C1833021, MONDO:0010963, OMIM 600965.
Wolfram-like syndrome. Also called: HEARING LOSS, PROGRESSIVE, WITH OPTIC ATROPHY AND/OR IMPAIRED GLUCOSE REGULATION. Identifiers: Orphanet 411590, MedGen C3280358, MONDO:0013673, OMIM 614296.
Cataract 41 (CTRCT41). Also called: CATARACT 41, CONGENITAL NUCLEAR TYPE. Identifiers: Orphanet 91492, Orphanet 98991, Orphanet 98992, Orphanet 98995, MedGen C3805412, MONDO:0007287, OMIM 116400.
Type 2 diabetes mellitus. Also called: Type II diabetes mellitus. Identifiers: MedGen C0011860, MeSH D003924, MONDO:0005148, OMIM 125853, HP:0005978.
Wolfram syndrome 1 (WFS1). Identifiers: Orphanet 3463, MedGen C4551693, MONDO:0009101, OMIM 222300.

Allele frequency attached by ClinVar (database versions not stated): gnomAD 0.00001 and 0.00003; TOPMed 0.00002; 1000 Genomes Project 30x 0.00031.
gnomAD v4.1: 34 of 1,611,192 alleles (0.0021%); highest among the groups gnomAD compares: Middle Eastern, 0.033%; no homozygotes.

Submissions (3):

Labcorp Genetics (formerly Invitae), Labcorp
Classification: Likely benign. Last evaluated: 2025-09-08. Review status: criteria provided, single submitter. Criteria: Invitae Variant Classification Sherloc (09022015). Collection method: clinical testing. Allele origin: germline.

Fulgent Genetics
Classification: Uncertain significance for Cataract 41; Type 2 diabetes mellitus; Wolfram syndrome 1; Autosomal dominant nonsyndromic hearing loss 6; Wolfram-like syndrome. Last evaluated: 2024-01-23. Review status: criteria provided, single submitter. Criteria: ACMG Guidelines, 2015. Collection method: clinical testing. Allele origin: germline.

PreventionGenetics, part of Exact Sciences
Classification: Likely benign for WFS1-related condition. Last evaluated: 2020-04-20. Review status: no assertion criteria provided. Collection method: clinical testing. Allele origin: germline. Not counted in ClinVar's aggregate classification.
Comment: This variant is classified as likely benign based on ACMG/AMP sequence variant interpretation guidelines (Richards et al. 2015 PMID: 25741868, with internal and published modifications).